The following is an entry in ClinVar:

NM_001318895.3(FHL2):c.174C>T (p.Asp58=)

Genes: C2orf49 (chromosome 2 open reading frame 49; plus strand), FHL2 (four and a half LIM domains 2; minus strand). Cytogenetic location: 2q12.2.
Variant type: single nucleotide variant.
Coding change: c.174C>T on transcript NM_001318895.3 (MANE Select); coding-DNA position 174, C replaced by T.
Protein change: p.Asp58=; no amino-acid change (aspartic acid 58 retained).
Molecular consequence: synonymous variant. On other transcripts: 5 prime UTR variant (1), intron variant (2).
Genome position (GRCh38, 1-based): chr2:105,373,716, G>A on the plus strand (C>T on the coding strand, the complement: FHL2 is on the minus strand). VCF-style: chr2-105373716-G-A. GRCh37 (hg19) VCF-style: chr2-105990173-G-A.
Other names: c.174C>T, p.Asp58= (NM_001039492.3, NM_001318894.1, NM_001318896.2 and 4 more transcripts); c.-151C>T (NM_001318899.2); c.-11-5977C>T (NM_001318897.2, NM_001318898.2).
Identifiers: ClinVar variation 163492 (VCV000163492.15), dbSNP rs141208906, ClinGen allele CA176119.

ClinVar aggregate classification (germline): Likely benign. Review status: criteria provided, multiple submitters, no conflicts (2 of 4 stars). 3 submissions from 3 submitters: Likely benign (3). Last evaluated 2025-09-20.

Conditions:
Cardiomyopathy (CMYO). Also called: Cardiomyopathies. Identifiers: Orphanet 167848, MedGen C0878544, MONDO:0004994, HP:0001638. Inheritance: Various modes of inheritance.
Primary dilated cardiomyopathy (DCM). Also called: Dilated Cardiomyopathy. Identifiers: Orphanet 217604, MedGen C0007193, MeSH D002311, MONDO:0005021, HP:0001644. Inheritance: Various modes of inheritance.

Allele frequency attached by ClinVar (database versions not stated): gnomAD exomes 0.00015; 1000 Genomes Project 30x 0.00016; ExAC 0.00016; gnomAD 0.00018 and 0.00020; 1000 Genomes Project 0.00020; TOPMed 0.00021; ESP Exome Variant Server 0.00031.
gnomAD v4.1: 519 of 1,614,022 alleles (0.032%); highest among the groups gnomAD compares: Non-Finnish European, 0.041%; no homozygotes.

Submissions (3):

Labcorp Genetics (formerly Invitae), Labcorp
Classification: Likely benign for Primary dilated cardiomyopathy. Last evaluated: 2025-09-20. Review status: criteria provided, single submitter. Criteria: Invitae Variant Classification Sherloc (09022015). Collection method: clinical testing. Allele origin: germline.

CHEO Genetics Diagnostic Laboratory, Children's Hospital of Eastern Ontario
Classification: Likely benign for Cardiomyopathy. Last evaluated: 2016-08-16. Review status: criteria provided, single submitter. Criteria: ACMG Guidelines, 2015. Collection method: clinical testing. Allele origin: germline. Study: Canadian Open Genetics Repository.

Laboratory for Molecular Medicine, Mass General Brigham Personalized Medicine
Classification: Likely benign. Last evaluated: 2012-03-19. Review status: criteria provided, single submitter. Criteria: LMM Criteria. Collection method: clinical testing. Allele origin: germline. Observed: 1 variant allele.
Comment: Asp58Asp in exon 3 of FHL2: This variant is not expected to have clinical signif icance because it does not alter an amino acid residue, is not located within th e splice consensus sequence. It has been identified in 3/7020 European American chromosomes from a broad population by the NHLBI Exome Sequencing Project (dbSNP rs141208906). Asp58Asp in exon 3 of FHL2 (rs 141208906; allele frequency = 3/7020) **